The following is an entry in ClinVar:

NM_000051.4(ATM):c.6095+7T>G

Genes: ATM (ATM serine/threonine kinase; plus strand), C11orf65 (chromosome 11 open reading frame 65; minus strand). Cytogenetic location: 11q22.3.
Variant type: single nucleotide variant.
Coding change: c.6095+7T>G on transcript NM_000051.4 (MANE Select); 7 bases into the intron after coding-DNA position 6095, T replaced by G.
Molecular consequence: intron variant.
Genome position (GRCh38, 1-based): chr11:108,315,918, T>G. VCF-style: chr11-108315918-T-G. GRCh37 (hg19) VCF-style: chr11-108186645-T-G.
Other names: c.6095+7T>G (NM_001351834.2); c.641-6847A>C (NM_001330368.2); c.*39-6847A>C (NM_001351110.2).
Identifiers: ClinVar variation 1138736 (VCV001138736.8), dbSNP rs2136122461, ClinGen allele CA2499220677.

ClinVar aggregate classification (germline): Likely benign. Review status: criteria provided, multiple submitters, no conflicts (2 of 4 stars). 2 submissions from 2 submitters: Likely benign (2). Last evaluated 2024-06-03.

Conditions:
Familial cancer of breast. Also called: Hereditary breast cancer; hereditary breast carcinoma; BREAST CANCER, FAMILIAL. Identifiers: Orphanet 227535, MedGen C0346153, MONDO:0016419, OMIM 114480. Disease mechanism: loss of function.
Ataxia-telangiectasia syndrome (AT). Also called: Ataxia telangiectasia (A-T); ATAXIA-TELANGIECTASIA, COMPLEMENTATION GROUP A; ATAXIA-TELANGIECTASIA, FRESNO VARIANT; Ataxia-telangiectasia; Ataxia-telangiectasia, complementation group E; LOUIS-BAR SYNDROME. Identifiers: Orphanet 100, MedGen C0004135, MONDO:0008840, OMIM 208900.

Allele frequency attached by ClinVar (database versions not stated): gnomAD exomes below 0.00001.
gnomAD v4.1: 1 of 1,609,446 alleles (0.000062%); highest among the groups gnomAD compares: South Asian, 0.0011%; no homozygotes.

Submissions (2):

Myriad Genetics, Inc.
Classification: Likely benign for Familial cancer of breast. Last evaluated: 2024-06-03. Review status: criteria provided, single submitter. Criteria: Myriad Autosomal Dominant, Autosomal Recessive and X-Linked Classification Criteria (2023). Collection method: clinical testing. Allele origin: unknown.
Comment: This variant is considered likely benign. This variant is intronic and is not expected to impact mRNA splicing.

Labcorp Genetics (formerly Invitae), Labcorp
Classification: Likely benign for Ataxia-telangiectasia syndrome. Last evaluated: 2023-12-18. Review status: criteria provided, single submitter. Criteria: Invitae Variant Classification Sherloc (09022015). Collection method: clinical testing. Allele origin: germline.